The following is an entry in ClinVar:

NM_016373.4(WWOX):c.517-74C>G

Gene: WWOX (WW domain containing oxidoreductase; plus strand). Cytogenetic location: 16q23.1.
Variant type: single nucleotide variant.
Coding change: c.517-74C>G on transcript NM_016373.4 (MANE Select); 74 bases into the intron before coding-DNA position 517, C replaced by G.
Molecular consequence: intron variant.
Genome position (GRCh38, 1-based): chr16:78,386,786, C>G. VCF-style: chr16-78386786-C-G. GRCh37 (hg19) VCF-style: chr16-78420683-C-G.
Other names: c.178-74C>G (NM_001291997.2).
Identifiers: ClinVar variation 677455 (VCV000677455.1), dbSNP rs144948766, ClinGen allele CA284567344.

ClinVar aggregate classification (germline): Likely benign (1 of 4 stars; one submission).

Allele frequency attached by ClinVar (database versions not stated): 1000 Genomes Project 30x 0.00203; 1000 Genomes Project 0.00220; gnomAD 0.00382; TOPMed 0.00408.
gnomAD v4.1: 952 of 1,301,444 alleles (0.073%); highest among the groups gnomAD compares: African/African-American, 1.3%; 5 homozygotes.

Submission:

GeneDx
Classification: Likely benign. Last evaluated: 2018-06-14. Review status: criteria provided, single submitter. Criteria: GeneDx Variant Classification (06012015). Collection method: clinical testing. Allele origin: germline. Affected: yes.
Comment: This variant is considered likely benign or benign based on one or more of the following criteria: it is a conservative change, it occurs at a poorly conserved position in the protein, it is predicted to be benign by multiple in silico algorithms, and/or has population frequency not consistent with disease.